The following is an entry in ClinVar:

ClinVar aggregate classification (germline): Uncertain significance (1 of 4 stars; one submission).

Conditions:
Brown-Vialetto-van Laere syndrome 1. Also called: BULBAR PALSY, PROGRESSIVE, WITH SENSORINEURAL DEAFNESS; PONTOBULBAR PALSY WITH DEAFNESS; BROWN-VIALETTO-VAN LAERE SYNDROME 1, MILD. Identifiers: Orphanet 572550, Orphanet 97229, MedGen C0796274, MONDO:0024537, OMIM 211530.

gnomAD v4.1: 2 of 1,613,462 alleles (0.00012%); highest among the groups gnomAD compares: Non-Finnish European, 0.00017%; no homozygotes.

Submission:

Kariminejad - Najmabadi Pathology & Genetics Center
Classification: Uncertain significance for Brown-Vialetto-van Laere syndrome 1. Last evaluated: 2024-03-03. Review status: criteria provided, single submitter. Criteria: ACMG Guidelines, 2015. Collection method: clinical testing. Allele origin: germline. Inheritance: Autosomal recessive inheritance. Affected: yes.
Comment: PM2,PP3_moderate,PP4?

NM_033409.4(SLC52A3):c.344T>G (p.Leu115Arg)

Gene: SLC52A3 (solute carrier family 52 member 3; minus strand). Cytogenetic location: 20p13.
Variant type: single nucleotide variant.
Coding change: c.344T>G on transcript NM_033409.4 (MANE Select); coding-DNA position 344, T replaced by G.
Protein change: p.Leu115Arg; replaces leucine 115 with arginine.
Molecular consequence: missense variant.
Genome position (GRCh38, 1-based): chr20:765,431, A>C on the plus strand (T>G on the coding strand, the complement: SLC52A3 is on the minus strand). VCF-style: chr20-765431-A-C. GRCh37 (hg19) VCF-style: chr20-746075-A-C.
Other names: c.344T>G, p.Leu115Arg (NM_001370085.1, NM_001370086.1); short protein forms L115R.
Identifiers: ClinVar variation 3897010 (VCV003897010.1).
Genomic context (GRCh38, chr20:765,431, plus strand): 5'-GTGGGCAGCCGGCTCATGAACGGCAGGAAGGTCACTGAAGAGGTGCAGTCCACCAGGGCC[A>C]GGAAGAAGGTGAGGACCAAGAAGGCGATGCTGTGGTGGCCGTCCAGCACCCAGGAGGTCA-3'
Protein context (NP_212134.3, residues 105-125): SIAFLVLTFF[Leu115Arg]ALVDCTSSVT